The following is an entry in ClinVar:

NM_001267550.2(TTN):c.56935_56957delinsAACCT (p.Asp18979_Pro18986delinsAsnLeu)

Genes: TTN-AS1 (TTN antisense RNA 1; plus strand), TTN (titin; minus strand). Cytogenetic location: 2q31.2.
Variant type: Indel.
Coding change: c.56935_56957delinsAACCT on transcript NM_001267550.2 (MANE Select); coding-DNA positions 56935 to 56957, GACCCAGCGACTGCTAGAGATCC replaced by AACCT.
Protein change: p.Asp18979_Pro18986delinsAsnLeu.
Molecular consequence: inframe indel.
Genome position (GRCh38, 1-based): chr2:178,598,753-178,598,775, GGATCTCTAGCAGTCGCTGGGTC replaced by AGGTT on the plus strand (GACCCAGCGACTGCTAGAGATCC replaced by AACCT on the coding strand, the reverse complement: TTN is on the minus strand). VCF-style: chr2-178598753-GGATCTCTAGCAGTCGCTGGGTC-AGGTT. GRCh37 (hg19) VCF-style: chr2-179463480-GGATCTCTAGCAGTCGCTGGGTC-AGGTT.
Other names: c.29740_29762delinsAACCT, p.Asp9914_Pro9921delinsAsnLeu (NM_003319.4); c.49231_49253delinsAACCT, p.Asp16411_Pro16418delinsAsnLeu (NM_133378.4); c.30115_30137delinsAACCT, p.Asp10039_Pro10046delinsAsnLeu (NM_133432.3); c.30316_30338delinsAACCT, p.Asp10106_Pro10113delinsAsnLeu (NM_133437.4).
Identifiers: ClinVar variation 202454 (VCV000202454.1), dbSNP rs794729327, ClinGen allele CA309414.

ClinVar aggregate classification (germline): Pathogenic (1 of 4 stars; one submission).

Submission:

GeneDx
Classification: Pathogenic. Last evaluated: 2013-04-08. Review status: criteria provided, single submitter. Criteria: GeneDx Variant Classification (06012015). Collection method: clinical testing. Allele origin: germline. Affected: yes.
Comment: c.52012_52034delinsAACCCT: p.Asp17338AsnfsX18 (D17338NfsX18) in exon 241 of the TTN gene (NM_001256850.1). The normal sequence with the bases that are deleted in braces and inserted in brackets is: ATCA{del23}[AACCCT]AATT. The c.52012_52034del23insAACCCT mutation in the TTN gene has not been reported previously as a disease-causing mutation or as a benign polymorphism, to our knowledge. This mutation causes a shift in reading frame starting at codon Aspartic acid 17338, changing it to a Asparagine, and creating a premature stop codon at position 18 of the new reading frame, denoted p.Asp17338AsnfsX18. This mutation is expected to result in either an abnormal, truncated protein product or loss of protein from this allele through nonsense-mediated mRNA decay. Other truncating TTN variants have been reported in approximately 3% of control alleles (Herman D et al., 2012). However, the c.52012_52034del23insAACCCT mutation is located in the A-band region of titin, where the majority of truncating mutations associated with DCM have been reported (Herman D et al., 2012). In summary, c.52012_52034del23insAACCCT in the TTN gene is interpreted as a disease-causing mutation. The variant is found in DCM panel(s).